The following is an entry in ClinVar:

NM_005689.4(ABCB6):c.2215C>T (p.Arg739Cys)

Gene: ABCB6 (ATP binding cassette subfamily B member 6 (LAN blood group); minus strand). Cytogenetic location: 2q35.
Variant type: single nucleotide variant.
Coding change: c.2215C>T on transcript NM_005689.4 (MANE Select); coding-DNA position 2215, C replaced by T.
Protein change: p.Arg739Cys; replaces arginine 739 with cysteine.
Molecular consequence: missense variant.
Genome position (GRCh38, 1-based): chr2:219,210,752, G>A on the plus strand (C>T on the coding strand, the complement: ABCB6 is on the minus strand). VCF-style: chr2-219210752-G-A. GRCh37 (hg19) VCF-style: chr2-220075474-G-A.
Other names: p.Arg739Cys; c.2077C>T, p.Arg693Cys (NM_001349828.2); c.2215C>T (NM_005689.2); short protein forms R693C, R739C.
Identifiers: ClinVar variation 993667 (VCV000993667.18), dbSNP rs141840760, ClinGen allele CA2119009.

ClinVar aggregate classification (germline): Uncertain significance. Review status: criteria provided, multiple submitters, no conflicts (2 of 4 stars). 6 submissions from 6 submitters: Uncertain significance (6). Last evaluated 2025-10-01.

Conditions:
Microphthalmia, isolated, with coloboma 7 (MCOPCB7). Also called: ocular coloboma; MICROPHTHALMIA/COLOBOMA 7. Identifiers: Orphanet 98938, MedGen C3281027, MONDO:0013783, OMIM 614497.
ABCB6-related disorder. Also called: ABCB6-related condition.

Allele frequency attached by ClinVar (database versions not stated): gnomAD 0.00028 and 0.00029; ESP Exome Variant Server 0.00031; gnomAD exomes 0.00031 and 0.00042; ExAC 0.00036; TOPMed 0.00041.

Submissions (6):

Labcorp Genetics (formerly Invitae), Labcorp
Classification: Uncertain significance. Last evaluated: 2025-10-01. Review status: criteria provided, single submitter. Criteria: Invitae Variant Classification Sherloc (09022015). Collection method: clinical testing. Allele origin: germline.
Comment: This sequence change replaces arginine, which is basic and polar, with cysteine, which is neutral and slightly polar, at codon 739 of the ABCB6 protein (p.Arg739Cys). This variant is present in population databases (rs141840760, gnomAD 0.1%), and has an allele count higher than expected for a pathogenic variant. This variant has not been reported in the literature in individuals affected with ABCB6-related conditions. ClinVar contains an entry for this variant (Variation ID: 993667). An algorithm developed to predict the effect of missense changes on protein structure and function (PolyPhen-2) suggests that this variant is likely to be disruptive. In summary, the available evidence is currently insufficient to determine the role of this variant in disease. Therefore, it has been classified as a Variant of Uncertain Significance.

Mayo Clinic Laboratories, Mayo Clinic
Classification: Uncertain significance. Last evaluated: 2024-07-18. Review status: criteria provided, single submitter. Criteria: ACMG Guidelines, 2015. Collection method: clinical testing. Allele origin: germline. Observed: 1 variant allele.
Comment: PP3, PM2

Dr. Zeinali's Medical Genetics Lab, Kawsar Human Genetics Research Center
Classification: Uncertain significance for Microphthalmia, isolated, with coloboma 7. Last evaluated: 2024-03-12. Review status: criteria provided, single submitter. Criteria: ACMG Guidelines, 2015. Collection method: clinical testing. Allele origin: inherited. Affected: yes. Observed: 8 variant alleles. Clinical features observed: Congenital onset (HP:0003577), Iris coloboma (HP:0000612), Spotty hypopigmentation (HP:0005590), Childhood onset (HP:0011463), Autosomal dominant inheritance (HP:0000006), Microphthalmia (HP:0000568), Freckling (HP:0001480), Hypopigmented macule (HP:0020073), Hypopigmented skin patches (HP:0001053).

PreventionGenetics, part of Exact Sciences
Classification: Uncertain significance for ABCB6-related condition. Last evaluated: 2023-05-11. Review status: criteria provided, single submitter. Criteria: ACMG Guidelines, 2015. Collection method: clinical testing. Allele origin: germline.
Comment: The ABCB6 c.2215C>T variant is predicted to result in the amino acid substitution p.Arg739Cys. This variant has been reported along with two variants in the SPTA1 gene in an individual with an erythrocyte disorder (Andolfo et al. 2021. PubMed ID: 34201899). This variant is reported in 0.11% of alleles in individuals of Latino descent in gnomAD, which may be too common to be a primary cause of disease. Although we suspect that this variant may be benign, at this time, the clinical significance of this variant is uncertain due to the absence of conclusive functional and genetic evidence.

ARUP Laboratories, Molecular Genetics and Genomics, ARUP Laboratories
Classification: Uncertain significance. Last evaluated: 2020-03-23. Review status: criteria provided, single submitter. Criteria: ARUP Molecular Germline Variant Investigation Process. Collection method: clinical testing. Allele origin: germline.

Breakthrough Genomics
Classification: Uncertain significance. Review status: criteria provided, single submitter. Criteria: ACMG Guidelines, 2015. Collection method: not provided. Allele origin: germline. Inheritance: Autosomal dominant inheritance. Affected: yes.

Literature cited by the submitters: PubMed 34201899 (cited by Mayo Clinic Laboratories, Mayo Clinic).